The following is an entry in ClinVar:

ClinVar aggregate classification (germline): Uncertain significance (1 of 4 stars; one submission).

Allele frequency attached by ClinVar (database versions not stated): gnomAD 0.00001; TOPMed 0.00002.
gnomAD v4.1: 3 of 1,614,056 alleles (0.00019%); highest among the groups gnomAD compares: Non-Finnish European, 0.00025%; no homozygotes.

Submission:

Labcorp Genetics (formerly Invitae), Labcorp
Classification: Uncertain significance. Last evaluated: 2021-04-21. Review status: criteria provided, single submitter. Criteria: Invitae Variant Classification Sherloc (09022015). Collection method: clinical testing. Allele origin: germline.
Comment: In summary, the available evidence is currently insufficient to determine the role of this variant in disease. Therefore, it has been classified as a Variant of Uncertain Significance. Algorithms developed to predict the effect of missense changes on protein structure and function are either unavailable or do not agree on the potential impact of this missense change (SIFT: "Tolerated"; PolyPhen-2: "Probably Damaging"; Align-GVGD: "Class C0"). This variant has not been reported in the literature in individuals with MCM4-related conditions. This variant is not present in population databases (ExAC no frequency). This sequence change replaces aspartic acid with asparagine at codon 689 of the MCM4 protein (p.Asp689Asn). The aspartic acid residue is highly conserved and there is a small physicochemical difference between aspartic acid and asparagine.

NM_182746.3(MCM4):c.2065G>A (p.Asp689Asn)

Gene: MCM4 (minichromosome maintenance complex component 4; plus strand). Cytogenetic location: 8q11.21.
Variant type: single nucleotide variant.
Coding change: c.2065G>A on transcript NM_182746.3 (MANE Select); coding-DNA position 2065, G replaced by A.
Protein change: p.Asp689Asn; replaces aspartic acid 689 with asparagine.
Molecular consequence: missense variant.
Genome position (GRCh38, 1-based): chr8:47,972,993, G>A. VCF-style: chr8-47972993-G-A. GRCh37 (hg19) VCF-style: chr8-48885553-G-A.
Other names: c.2065G>A, p.Asp689Asn (NM_005914.4); short protein forms D689N.
Identifiers: ClinVar variation 1396421 (VCV001396421.6), dbSNP rs1041924256, ClinGen allele CA176158358.
Genomic context (GRCh38, chr8:47,972,993, plus strand): 5'-CTGTACTACCAGAGCGAGGAGCAGGCAGAGGAGGAGCTCCTGGACATGGCGGTGCTAAAG[G>A]ACTACATTGCCTACGCGCACAGCACCATCATGCCGCGGCTAAGTGAGGAAGCCAGCCAGG-3'
Protein context (NP_877423.1, residues 679-699): EELLDMAVLK[Asp689Asn]YIAYAHSTIM